The following is an entry in ClinVar:

NM_015506.3(MMACHC):c.484G>A (p.Gly162Arg)

Gene: MMACHC (metabolism of cobalamin associated C; plus strand). Cytogenetic location: 1p34.1.
Variant type: single nucleotide variant.
Coding change: c.484G>A on transcript NM_015506.3 (MANE Select); coding-DNA position 484, G replaced by A.
Protein change: p.Gly162Arg; replaces glycine 162 with arginine.
Molecular consequence: missense variant.
Genome position (GRCh38, 1-based): chr1:45,508,850, G>A. VCF-style: chr1-45508850-G-A. GRCh37 (hg19) VCF-style: chr1-45974522-G-A.
Other names: c.313G>A, p.Gly105Arg (NM_001330540.2); short protein forms G105R, G162R.
Identifiers: ClinVar variation 4815873 (VCV004815873.1).

ClinVar aggregate classification (germline): Likely pathogenic (1 of 4 stars; one submission).

Conditions:
Cobalamin C disease. Also called: Cobalamin-C methylmalonic acidemia and homocystinuria; Methylmalonic acidemia and homocystinuria cblC type; Methylmalonic aciduria with homocystinuria cblC type; Methylmalonic aciduria and homocystinuria, Vitamin B12-responsive; Vitamin B12 metabolic defect with combined deficiency of methylmalonyl-CoA mutase and homocysteine:methyltetrahydrofolate methyltransferase; methylmalonic aciduria and homocystinuria type cblC. Identifiers: Orphanet 26, Orphanet 79282, MedGen C1848561, MONDO:0010184, OMIM 277400.

Submission:

Natera, Inc.
Classification: Likely pathogenic for Methylmalonic aciduria and homocystinuria cblC type. Last evaluated: 2025-08-18. Review status: criteria provided, single submitter. Criteria: Natera Variant Classification Schema (03/2026). Collection method: clinical testing. Allele origin: germline.
Comment: The c.484G>A variant in MMACHC is a missense variant predicted to cause substitution of glycine to arginine at amino acid 162. This variant is rare in the general population with a frequency below the threshold expected for the associated phenotype(s). This variant has been observed in one or more individuals affected with the associated recessive disease, as either homozygous or compound heterozygous with a second variant (PMID: 35865640). A different variant at the same position has been determined to be Pathogenic or Likely Pathogenic. Computational prediction algorithms indicate this variant is likely to affect gene or protein function. Given the available evidence, this variant is classified as Likely Pathogenic.

Literature cited by the submitters: PubMed 35865640.